The following is an entry in ClinVar:

NM_020975.6(RET):c.838A>G (p.Ser280Gly)

Gene: RET (ret proto-oncogene; plus strand). Cytogenetic location: 10q11.21.
Variant type: single nucleotide variant.
Coding change: c.838A>G on transcript NM_020975.6 (MANE Select); coding-DNA position 838, A replaced by G.
Protein change: p.Ser280Gly; replaces serine 280 with glycine.
Molecular consequence: missense variant.
Genome position (GRCh38, 1-based): chr10:43,105,164, A>G. VCF-style: chr10-43105164-A-G. GRCh37 (hg19) VCF-style: chr10-43600612-A-G.
Other names: c.838A>G, p.Ser280Gly (NM_000323.2, NM_001406743.1, NM_001406744.1 and 8 more transcripts); c.76A>G, p.Ser26Gly (NM_001355216.2); c.709A>G, p.Ser237Gly (NM_001406761.1, NM_001406762.1, NM_001406764.1 and 2 more transcripts); c.550A>G, p.Ser184Gly (NM_001406766.1, NM_001406767.1, NM_001406770.1); short protein forms S280G, S26G, S184G, S237G.
Identifiers: ClinVar variation 1473932 (VCV001473932.7), dbSNP rs749244375, ClinGen allele CA376545278.

ClinVar aggregate classification (germline): Uncertain significance (1 of 4 stars; one submission).

Conditions:
Multiple endocrine neoplasia, type 2 (MEN2). Identifiers: Orphanet 653, MedGen C4048306, MONDO:0019003. Disease mechanism: gain of function.

Submission:

Labcorp Genetics (formerly Invitae), Labcorp
Classification: Uncertain significance for Multiple endocrine neoplasia, type 2. Last evaluated: 2022-11-28. Review status: criteria provided, single submitter. Criteria: Invitae Variant Classification Sherloc (09022015). Collection method: clinical testing. Allele origin: germline.
Comment: ClinVar contains an entry for this variant (Variation ID: 1473932). Algorithms developed to predict the effect of missense changes on protein structure and function output the following: SIFT: "Tolerated"; PolyPhen-2: "Benign"; Align-GVGD: "Class C0". The glycine amino acid residue is found in multiple mammalian species, which suggests that this missense change does not adversely affect protein function. In summary, the available evidence is currently insufficient to determine the role of this variant in disease. Therefore, it has been classified as a Variant of Uncertain Significance. This variant is not present in population databases (gnomAD no frequency). This sequence change replaces serine, which is neutral and polar, with glycine, which is neutral and non-polar, at codon 280 of the RET protein (p.Ser280Gly). This variant has not been reported in the literature in individuals affected with RET-related conditions.